The following is an entry in ClinVar:

ClinVar aggregate classification (germline): Uncertain significance (1 of 4 stars; one submission).

Conditions:
Spastic paraplegia. Identifiers: MedGen C0037772, HP:0001258.

Submission:

Labcorp Genetics (formerly Invitae), Labcorp
Classification: Uncertain significance for Spastic paraplegia. Last evaluated: 2022-03-25. Review status: criteria provided, single submitter. Criteria: Invitae Variant Classification Sherloc (09022015). Collection method: clinical testing. Allele origin: germline.
Comment: In summary, the available evidence is currently insufficient to determine the role of this variant in disease. Therefore, it has been classified as a Variant of Uncertain Significance. Algorithms developed to predict the effect of missense changes on protein structure and function are either unavailable or do not agree on the potential impact of this missense change (SIFT: "Deleterious"; PolyPhen-2: "Benign"; Align-GVGD: "Class C0"). This variant has not been reported in the literature in individuals affected with GJC2-related conditions. This variant is not present in population databases (gnomAD no frequency). This sequence change replaces arginine, which is basic and polar, with tryptophan, which is neutral and slightly polar, at codon 369 of the GJC2 protein (p.Arg369Trp).

NM_020435.4(GJC2):c.1105C>T (p.Arg369Trp)

Gene: GJC2 (gap junction protein gamma 2; plus strand). Cytogenetic location: 1q42.13.
Variant type: single nucleotide variant.
Coding change: c.1105C>T on transcript NM_020435.4 (MANE Select); coding-DNA position 1105, C replaced by T.
Protein change: p.Arg369Trp; replaces arginine 369 with tryptophan.
Molecular consequence: missense variant.
Genome position (GRCh38, 1-based): chr1:228,158,863, C>T. VCF-style: chr1-228158863-C-T. GRCh37 (hg19) VCF-style: chr1-228346564-C-T.
Other names: short protein forms R369W.
Identifiers: ClinVar variation 2155731 (VCV002155731.4), dbSNP rs748274865, ClinGen allele CA345100566.